The following is an entry in ClinVar:

ClinVar aggregate classification (germline): Likely pathogenic. Review status: criteria provided, multiple submitters, no conflicts (2 of 4 stars). 2 submissions from 2 submitters: Likely pathogenic (2). Last evaluated 2023-05-03.

Conditions:
RHO-related disorder. Also called: RHO-related condition.

Submissions (2):

Blueprint Genetics
Classification: Likely pathogenic for RHO-related disorders. Last evaluated: 2023-05-03. Review status: criteria provided, single submitter. Criteria: ACMG Guidelines, 2015. Collection method: clinical testing. Allele origin: germline. Affected: yes. Observed: 3 variant alleles.

Labcorp Genetics (formerly Invitae), Labcorp
Classification: Likely pathogenic. Last evaluated: 2022-08-08. Review status: criteria provided, single submitter. Criteria: Invitae Variant Classification Sherloc (09022015). Collection method: clinical testing. Allele origin: germline.
Comment: ClinVar contains an entry for this variant (Variation ID: 1514513). This variant has not been reported in the literature in individuals affected with RHO-related conditions. This variant is not present in population databases (gnomAD no frequency). This sequence change replaces glycine, which is neutral and non-polar, with alanine, which is neutral and non-polar, at codon 106 of the RHO protein (p.Gly106Ala). Advanced modeling of protein sequence and biophysical properties (such as structural, functional, and spatial information, amino acid conservation, physicochemical variation, residue mobility, and thermodynamic stability) performed at Invitae indicates that this missense variant is expected to disrupt RHO protein function. In summary, the currently available evidence indicates that the variant is pathogenic, but additional data are needed to prove that conclusively. Therefore, this variant has been classified as Likely Pathogenic. This variant disrupts the p.Gly106 amino acid residue in RHO. Other variant(s) that disrupt this residue have been determined to be pathogenic (PMID: 1301135, 8905849, 11094174, 28559085). This suggests that this residue is clinically significant, and that variants that disrupt this residue are likely to be disease-causing.

Literature cited by the submitters: PubMed 1301135 (cited by Labcorp Genetics (formerly Invitae), Labcorp); PubMed 8905849 (cited by Labcorp Genetics (formerly Invitae), Labcorp); PubMed 11094174 (cited by Labcorp Genetics (formerly Invitae), Labcorp); PubMed 28559085 (cited by Labcorp Genetics (formerly Invitae), Labcorp).

NM_000539.3(RHO):c.317G>C (p.Gly106Ala)

Gene: RHO (rhodopsin; plus strand). Cytogenetic location: 3q22.1.
Variant type: single nucleotide variant.
Coding change: c.317G>C on transcript NM_000539.3 (MANE Select); coding-DNA position 317, G replaced by C.
Protein change: p.Gly106Ala; replaces glycine 106 with alanine.
Molecular consequence: missense variant.
Genome position (GRCh38, 1-based): chr3:129,529,050, G>C. VCF-style: chr3-129529050-G-C. GRCh37 (hg19) VCF-style: chr3-129247893-G-C.
Other names: short protein forms G106A.
Identifiers: ClinVar variation 1514513 (VCV001514513.9), dbSNP rs1578278417, ClinGen allele CA354496868.
Genomic context (GRCh38, chr3:129,529,050, plus strand): 5'-TGGTCCTAGGTGGCTTCACCAGCACCCTCTACACCTCTCTGCATGGATACTTCGTCTTCG[G>C]GCCCACAGGATGCAATTTGGAGGGCTTCTTTGCCACCCTGGGCGGTATGAGCCGGGTGTG-3'
Protein context (NP_000530.1, residues 96-116): YTSLHGYFVF[Gly106Ala]PTGCNLEGFF